The following is an entry in ClinVar:

ClinVar aggregate classification (germline): Likely benign (0 of 4 stars; one submission).

Conditions:
ATP8B1-related disorder. Also called: ATP8B1-related disorders; ATP8B1-related condition.

Allele frequency attached by ClinVar (database versions not stated): gnomAD 0.00001; gnomAD exomes 0.00001; TOPMed 0.00002.
gnomAD v4.1: 11 of 1,614,056 alleles (0.00068%); highest among the groups gnomAD compares: Admixed American, 0.0017%; no homozygotes.

Submission:

PreventionGenetics, part of Exact Sciences
Classification: Likely benign for ATP8B1-related condition. Last evaluated: 2023-09-18. Review status: no assertion criteria provided. Collection method: clinical testing. Allele origin: germline.
Comment: This variant is classified as likely benign based on ACMG/AMP sequence variant interpretation guidelines (Richards et al. 2015 PMID: 25741868, with internal and published modifications).

NM_001374385.1(ATP8B1):c.3261+4C>T

Genes: ATP8B1 (ATPase phospholipid transporting 8B1; minus strand), ATP8B1-AS1 (ATP8B1 antisense RNA 1; plus strand). Cytogenetic location: 18q21.31.
Variant type: single nucleotide variant.
Coding change: c.3261+4C>T on transcript NM_001374385.1 (MANE Select); 4 bases into the intron after coding-DNA position 3261, C replaced by T.
Molecular consequence: intron variant.
Genome position (GRCh38, 1-based): chr18:57,652,480, G>A on the plus strand (C>T on the coding strand, the complement: ATP8B1 is on the minus strand). VCF-style: chr18-57652480-G-A. GRCh37 (hg19) VCF-style: chr18-55319712-G-A.
Other names: c.3261+4C>T (NM_005603.6); c.3111+4C>T (NM_001374386.1).
Identifiers: ClinVar variation 3047895 (VCV003047895.2), dbSNP rs1165006363, ClinGen allele CA630395901.